The following is an entry in ClinVar:

NM_000138.5(FBN1):c.7029del (p.Leu2344fs)

Gene: FBN1 (fibrillin 1; minus strand). Cytogenetic location: 15q21.1.
Variant type: Deletion.
Coding change: c.7029del on transcript NM_000138.5 (MANE Select); coding-DNA position 7029, one base deleted (G; older notation c.7029delG).
Protein change: p.Leu2344fs; shifts the reading frame from leucine 2344.
Molecular consequence: frameshift variant.
Genome position (GRCh38, 1-based): chr15:48,427,742, C deleted on the plus strand (G on the coding strand, the reverse complement: FBN1 is on the minus strand). VCF-style (leftmost placement, unchanged base first): chr15-48427741-GC-G. GRCh37 (hg19) VCF-style: chr15-48719938-GC-G.
Other names: c.7029del, p.Leu2344fs (NM_001406716.1); short protein forms L2344fs.
Identifiers: ClinVar variation 4635370 (VCV004635370.1).

ClinVar aggregate classification (germline): Pathogenic (1 of 4 stars; one submission).

Conditions:
Familial thoracic aortic aneurysm and aortic dissection (TAAD). Also called: Thoracic aortic aneurysms and dissections. Identifiers: Orphanet 91387, MedGen C4707243, MONDO:0019625.

Submission:

Ambry Genetics
Classification: Pathogenic for Familial thoracic aortic aneurysm and aortic dissection. Last evaluated: 2025-12-01. Review status: criteria provided, single submitter. Criteria: Ambry Variant Classification Scheme 2023. Collection method: clinical testing. Allele origin: germline.
Comment: The c.7029delG pathogenic mutation, located in coding exon 57 of the FBN1 gene, results from a deletion of one nucleotide at nucleotide position 7029, causing a translational frameshift with a predicted alternate stop codon (p.L2344Yfs*54). This variant was reported in individual(s) with features consistent with Marfan syndrome (Ambry internal data). This variant is considered to be rare based on population cohorts in the Genome Aggregation Database (gnomAD). This alteration is expected to result in loss of function by premature protein truncation or nonsense-mediated mRNA decay. As such, this alteration is interpreted as a disease-causing mutation.